The following is an entry in ClinVar:

ClinVar aggregate classification (germline): Pathogenic/Likely pathogenic. Review status: criteria provided, multiple submitters, no conflicts (2 of 4 stars). 11 submissions from 11 submitters: Pathogenic (4); Likely pathogenic (6). 1 of the submissions does not count toward it. Last evaluated 2026-01-29.

Conditions:
Hyperinsulinemic hypoglycemia, familial, 1 (HHF1). Also called: HYPERINSULINISM, FAMILIAL, WITH PANCREATIC NESIDIOBLASTOSIS; HYPOGLYCEMIA, HYPERINSULINEMIC, OF INFANCY; Persistent hyperinsulinemic hypoglycemia of infancy; NESIDIOBLASTOSIS OF PANCREAS; Persistent Hyperinsulinemia Hypoglycemia of Infancy. Identifiers: Orphanet 276575, Orphanet 276598, MedGen C2931832, MONDO:0009734, OMIM 256450.
Type 2 diabetes mellitus. Also called: Type II diabetes mellitus. Identifiers: MedGen C0011860, MeSH D003924, MONDO:0005148, OMIM 125853, HP:0005978.
Diabetes mellitus, transient neonatal, 2 (TNDM2). Identifiers: Orphanet 99886, MedGen C1835887, MONDO:0012480, OMIM 610374. Disease mechanism: loss of function.
Diabetes mellitus, permanent neonatal 3. Also called: ABCC8-Related Permanent Neonatal Diabetes Mellitus. Identifiers: MedGen C5394303, MONDO:0030088, OMIM 618857.
Leucine-induced hypoglycemia (LIH). Also called: LEUCINE-SENSITIVE HYPOGLYCEMIA OF INFANCY. Identifiers: MedGen C0271714, MONDO:0009415, OMIM 240800.
Hereditary hyperinsulinism.
Inborn genetic diseases. Identifiers: MedGen C0950123, MeSH D030342.

Allele frequency attached by ClinVar (database versions not stated): ExAC 0.00002; gnomAD exomes 0.00002; gnomAD 0.00003 and 0.00004; TOPMed 0.00003.

Submissions (11):

Natera, Inc.
Classification: Pathogenic for Hereditary hyperinsulinism. Last evaluated: 2026-01-29. Review status: criteria provided, single submitter. Criteria: Natera Variant Classification Schema (03/2026). Collection method: clinical testing. Allele origin: germline.
Comment: The c.2041-21G>A variant in ABCC8 is an intronic variant located outside the canonical splice sites. This variant is rare in the general population with a frequency below the threshold expected for the associated phenotype(s). This variant has been observed in one or more individuals affected with the associated recessive disease, as either homozygous or compound heterozygous with a second variant (PMID: 23275527, 25765446, 34055426). This variant has been observed in affected individual(s) with monoallelic occurrence (heterozygous/hemizygous) (PMID: 24401662, 40302972). Given the available evidence, this variant is classified as Pathogenic.

Labcorp Genetics (formerly Invitae), Labcorp
Classification: Pathogenic. Last evaluated: 2025-09-22. Review status: criteria provided, single submitter. Criteria: Invitae Variant Classification Sherloc (09022015). Collection method: clinical testing. Allele origin: germline.
Comment: This sequence change falls in intron 14 of the ABCC8 gene. It does not directly change the encoded amino acid sequence of the ABCC8 protein. This variant is present in population databases (rs746714109, gnomAD 0.009%). This variant has been observed in individual(s) with clinical features of ABCC8-related conditions (PMID: 15807877, 24401662, 25765446, 26268944). In at least one individual the data is consistent with being in trans (on the opposite chromosome) from a pathogenic variant. ClinVar contains an entry for this variant (Variation ID: 553929). Algorithms developed to predict the effect of sequence changes on RNA splicing suggest that this variant may disrupt the consensus splice site. For these reasons, this variant has been classified as Pathogenic.

GeneDx
Classification: Likely pathogenic. Last evaluated: 2025-09-15. Review status: criteria provided, single submitter. Criteria: GeneDx Variant Classification Process June 2021. Collection method: clinical testing. Allele origin: germline.
Comment: Observed with another ABCC8 variant in unrelated patients with diffuse hyperinsulinism, or in the heterozygous state and frequently noted to be inherited on the paternal allele in multiple additional patients with focal hyperinsulinism, from the published literature (PMID: 31464105, 23275527, 25765446, 15807877, 24401662, 26268944, 27908292, 30386300); In silico analysis supports a deleterious effect on splicing; This variant is associated with the following publications: (PMID: 34055426, 23275527, 15807877, 25765446, 24401662, 26268944, 27908292, 34927408, McBride2024[CaseReport], 31464105, Koc2025[Poster], 30386300, 32774365, 40382736)

Revvity Omics, Revvity
Classification: Likely pathogenic. Last evaluated: 2025-04-23. Review status: criteria provided, single submitter. Criteria: ACMG Guidelines, 2015. Collection method: clinical testing. Allele origin: germline.

Ambry Genetics
Classification: Pathogenic for Inborn genetic diseases. Last evaluated: 2025-01-31. Review status: criteria provided, single submitter. Criteria: Ambry Variant Classification Scheme 2023. Collection method: clinical testing. Allele origin: germline.
Comment: The c.2041-21G>A intronic alteration consists of a G to A substitution 21 nucleotides before coding exon 15 of the ABCC8 gene. for autosomal recessive ABCC8-related diffuse hyperinsulinemic hypoglycemia and autosomal dominant ABCC8-related focal hyperinsulinemic hypoglycemia susceptibility; however, its clinical significance for ABCC8-related diabetes mellitus is uncertain, and it is unlikely to be causative of autosomal dominant diffuse hyperinsulinemic hypoglycemia. Based on data from gnomAD, the A allele has an overall frequency of 0.003% (7/275874) total alleles studied. The highest observed frequency was 0.008% (2/24340) of African alleles. In addition, this variant has been identified in apparently unaffected heterozygous individuals in our laboratory (Ambry internal data). The number of alleles observed exceeds the maximum credible number expected for a disease-causing variant in this gene based on internally established thresholds for autosomal dominant diffuse hyperinsulinemic hypoglycemia, but not for autosomal recessive diffuse hyperinsulinemic hypoglycemia or autosomal dominant focal hyperinsulinemic hypoglycemia susceptibility (Karczewski, 2020; Whiffin, 2017). This variant has been identified in the homozygous state and/or in conjunction with other ABCC8 variant(s) in individual(s) with features consistent with ABCC8-related autosomal recessive diffuse hyperinsulinemic hypoglycemia; it has also been reported as heterozygous in individual(s) with features consistent with ABCC8-related autosomal dominant focal hyperinsulinemic hypoglycemia susceptibility (Ohkubo, 2005; Snider, 2013; Mohnike, 2014; Senniappan, 2015; Salomon-Estebanez, 2016; Razzaghy-Azar, 2022). This nucleotide position is not well conserved in available vertebrate species. In silico splice site analysis predicts that this alteration will weaken the native splice acceptor site and will result in the creation or strengthening of a novel splice acceptor site. Based on the available evidence, this alteration is classified as pathogenic.

Fulgent Genetics
Classification: Likely pathogenic for Type 2 diabetes mellitus; Leucine-induced hypoglycemia; Hyperinsulinemic hypoglycemia, familial, 1; Diabetes mellitus, transient neonatal, 2; Diabetes mellitus, permanent neonatal 3. Last evaluated: 2024-03-23. Review status: criteria provided, single submitter. Criteria: ACMG Guidelines, 2015. Collection method: clinical testing. Allele origin: germline.

Baylor Genetics
Classification: Likely pathogenic for Type 2 diabetes mellitus. Last evaluated: 2024-03-04. Review status: criteria provided, single submitter. Criteria: ACMG Guidelines, 2015. Collection method: clinical testing. Allele origin: unknown.

Broad Center for Mendelian Genomics, Broad Institute of MIT and Harvard
Classification: Pathogenic for Hyperinsulinemic hypoglycemia, familial, 1. Last evaluated: 2023-08-16. Review status: criteria provided, single submitter. Criteria: ACMG Guidelines, 2015. Collection method: curation. Allele origin: germline. Inheritance: Autosomal recessive inheritance.
Comment: The c.2041-21G>A variant in ABCC8 has been reported in 11 individuals with hyperinsulinemic hypoglycemia (PMID: 31464105, 25765446, 24401662, 15807877, 34927408, 27908292, 26268944, 23275527), and has been identified in 0.009% (2/24340) of African/African American chromosomes by the Genome Aggregation Database (gnomAD; dbSNP rs746714109). Although this variant has been seen in the general population in a heterozygous state, its frequency is low enough to be consistent with a recessive carrier frequency. This variant has also been reported in ClinVar (Variation ID#: 553929) and has been interpreted as likely pathogenic by Counsyl and Mendelics and as pathogenic by Invitae. Of the 11 affected individuals, at least 4 were compound heterozygotes that carried a reported pathogenic variant in trans, which increases the likelihood that the c.2041-21G>A variant is pathogenic (PMID: 27908292, 23275527). This variant is located in the 5' splice region. Computational tools do suggest an impact to splicing. However, this information is not predictive enough to determine pathogenicity. In summary, this variant meets criteria to be classified as pathogenic for autosomal recessive hyperinsulinemic hypoglycemia. ACMG/AMP Criteria applied: PM3_very-strong, PP3, PM2_supporting (Richards 2015).

Department of Pathology and Laboratory Medicine, Sinai Health System
Classification: Likely pathogenic for Leucine-induced hypoglycemia; Hyperinsulinemic hypoglycemia, familial, 1. Last evaluated: 2022-11-29. Review status: criteria provided, single submitter. Criteria: ACMG Guidelines, 2015. Collection method: research. Allele origin: germline.

Mendelics
Classification: Likely pathogenic for Hyperinsulinemic hypoglycemia, familial, 1. Last evaluated: 2019-05-28. Review status: criteria provided, single submitter. Criteria: Mendelics Assertion Criteria 2017. Collection method: clinical testing. Allele origin: unknown.

Counsyl
Classification: Likely pathogenic for Hyperinsulinemic hypoglycemia, familial, 1. Last evaluated: 2017-09-20. Review status: no assertion criteria provided. Collection method: clinical testing. Allele origin: unknown. Not counted in ClinVar's aggregate classification.

Literature cited by the submitters: PubMed 23275527 (cited by 3 submitters); PubMed 25765446 (cited by 3 submitters); PubMed 34055426 (cited by Natera, Inc.); PubMed 24401662 (cited by 4 submitters); PubMed 40302972 (cited by Natera, Inc.); PubMed 15807877 (cited by 3 submitters); PubMed 26268944 (cited by 3 submitters); PubMed 27908292 (cited by Ambry Genetics and Counsyl); PubMed 28518168 (cited by Ambry Genetics); PubMed 32461654 (cited by Ambry Genetics); PubMed 34927408 (cited by Ambry Genetics).

NM_000352.6(ABCC8):c.2041-21G>A

Gene: ABCC8 (ATP binding cassette subfamily C member 8; minus strand). Cytogenetic location: 11p15.1.
Variant type: single nucleotide variant.
Coding change: c.2041-21G>A on transcript NM_000352.6 (MANE Select); 21 bases into the intron before coding-DNA position 2041, G replaced by A.
Molecular consequence: intron variant.
Genome position (GRCh38, 1-based): chr11:17,427,963, C>T on the plus strand (G>A on the coding strand, the complement: ABCC8 is on the minus strand). VCF-style: chr11-17427963-C-T. GRCh37 (hg19) VCF-style: chr11-17449510-C-T.
Other names: c.2038-21G>A (NM_001351297.2, NM_001351296.2); c.2107-21G>A (NM_001351295.2); c.2041-21G>A (NM_001287174.3, NM_000352.5).
Identifiers: ClinVar variation 553929 (VCV000553929.21), dbSNP rs746714109, ClinGen allele CA5903322.